The following is an entry in ClinVar:

ClinVar aggregate classification (germline): Pathogenic (1 of 4 stars; one submission).

Conditions:
Rare genetic deafness. Identifiers: Orphanet 96210, MedGen C5680250.

Submission:

Laboratory for Molecular Medicine, Mass General Brigham Personalized Medicine
Classification: Pathogenic for Rare genetic deafness. Last evaluated: 2021-02-01. Review status: criteria provided, single submitter. Criteria: LMM Criteria. Collection method: clinical testing. Allele origin: germline. Inheritance: Autosomal recessive inheritance. Observed: 3 variant alleles.
Comment: proposed classification - variant undergoing re-assessment, contact laboratory

Literature cited by the submitters: PubMed 22147502; PubMed 11687802; PubMed 17098888; PubMed 19246478.

NC_000015.10:g.(?_43600750)_(43603344_?)del

Gene: STRC (stereocilin; minus strand). Cytogenetic location: 15q15.3.
Variant type: Deletion.
Identifiers: ClinVar variation 228400 (VCV000228400.7).